The following is an entry in ClinVar:

ClinVar aggregate classification (germline): Uncertain significance. Review status: criteria provided, multiple submitters, no conflicts (2 of 4 stars). 3 submissions from 3 submitters: Uncertain significance (3). Last evaluated 2023-12-06.

Conditions:
Hereditary cancer-predisposing syndrome. Also called: Neoplastic Syndromes, Hereditary; Hereditary Cancer Syndrome; Hereditary neoplastic syndrome; Tumor predisposition. Identifiers: Orphanet 140162, MedGen C0027672, MeSH D009386, MONDO:0015356.
Neurofibromatosis, type 1 (NF1). Also called: VON RECKLINGHAUSEN DISEASE; Neurofibromatosis, type I; NEUROFIBROMATOSIS, TYPE I, SOMATIC; Peripheral type neurofibromatosis. Identifiers: Orphanet 636, MedGen C0027831, MONDO:0018975, OMIM 162200. Disease mechanism: loss of function.

Submissions (3):

Labcorp Genetics (formerly Invitae), Labcorp
Classification: Uncertain significance for Neurofibromatosis, type 1. Last evaluated: 2023-12-06. Review status: criteria provided, single submitter. Criteria: Invitae Variant Classification Sherloc (09022015). Collection method: clinical testing. Allele origin: germline.
Comment: This sequence change replaces aspartic acid, which is acidic and polar, with tyrosine, which is neutral and polar, at codon 1506 of the NF1 protein (p.Asp1506Tyr). This variant is not present in population databases (gnomAD no frequency). This variant has not been reported in the literature in individuals affected with NF1-related conditions. ClinVar contains an entry for this variant (Variation ID: 141164). An algorithm developed to predict the effect of missense changes on protein structure and function (PolyPhen-2) suggests that this variant is likely to be disruptive. In summary, the available evidence is currently insufficient to determine the role of this variant in disease. Therefore, it has been classified as a Variant of Uncertain Significance.

Genome-Nilou Lab
Classification: Uncertain significance for Neurofibromatosis, type 1. Last evaluated: 2022-03-15. Review status: criteria provided, single submitter. Criteria: ACMG Guidelines, 2015. Collection method: clinical testing. Allele origin: germline. Affected: no.

Ambry Genetics
Classification: Uncertain significance for Hereditary cancer-predisposing syndrome. Last evaluated: 2013-12-30. Review status: criteria provided, single submitter. Criteria: Ambry Autosomal Dominant and X-Linked criteria (10/2015). Collection method: clinical testing. Allele origin: germline. Observed: 1 variant allele.
Comment: There is insufficient or conflicting evidence for classification of this alteration.

NM_001042492.3(NF1):c.4579G>T (p.Asp1527Tyr)

Gene: NF1 (neurofibromin 1; plus strand). Cytogenetic location: 17q11.2.
Variant type: single nucleotide variant.
Coding change: c.4579G>T on transcript NM_001042492.3 (MANE Select); coding-DNA position 4579, G replaced by T.
Protein change: p.Asp1527Tyr; replaces aspartic acid 1527 with tyrosine.
Molecular consequence: missense variant.
Genome position (GRCh38, 1-based): chr17:31,261,712, G>T. VCF-style: chr17-31261712-G-T. GRCh37 (hg19) VCF-style: chr17-29588730-G-T.
Other names: c.4516G>T, p.Asp1506Tyr (NM_000267.4); short protein forms D1506Y, D1527Y.
Identifiers: ClinVar variation 141164 (VCV000141164.9), dbSNP rs587781542, ClinGen allele CA164651.